The following is an entry in ClinVar:

ClinVar aggregate classification (germline): Benign/Likely benign. Review status: criteria provided, multiple submitters, no conflicts (2 of 4 stars). 7 submissions from 4 submitters: Benign (5); Likely benign (2). Last evaluated 2022-03-18.

Conditions:
Dilated cardiomyopathy 1G (CMD1G). Identifiers: Orphanet 154, MedGen C1858763, MONDO:0011400, OMIM 604145.
Autosomal recessive limb-girdle muscular dystrophy type 2J (LGMDR10). Also called: Limb-girdle muscular dystrophy, type 2J; MUSCULAR DYSTROPHY, LIMB-GIRDLE, AUTOSOMAL RECESSIVE 10. Identifiers: Orphanet 140922, MedGen C1837342, MONDO:0012127, OMIM 608807.
Early-onset myopathy with fatal cardiomyopathy (CMYO5). Also called: CONGENITAL MYOPATHY 5 WITH CARDIOMYOPATHY; Salih Myopathy. Identifiers: Orphanet 289377, MedGen C2673677, MONDO:0012714, OMIM 611705. Disease mechanism: loss of function.
Myopathy, myofibrillar, 9, with early respiratory failure (MFM9). Also called: MYOPATHY, PROXIMAL, WITH EARLY RESPIRATORY MUSCLE INVOLVEMENT; Myopathy, distal, with early respiratory failure, autosomal dominant; Hereditary myopathy with early respiratory failure; EDSTROM MYOPATHY. Identifiers: Orphanet 178464, Orphanet 34521, MedGen C1863599, MONDO:0011362, OMIM 603689.
Tibial muscular dystrophy (TMD). Also called: Tibial muscular dystrophy, tardive; UDD MYOPATHY; Udd Distal Myopathy – Tibial Muscular Dystrophy. Identifiers: Orphanet 609, MedGen C1838244, MONDO:0010870, OMIM 600334.

Allele frequency attached by ClinVar (database versions not stated): ExAC 0.00558; gnomAD exomes 0.01165.

Submissions (10):

Labcorp Genetics (formerly Invitae), Labcorp
Classification: Benign for Dilated cardiomyopathy 1G; Autosomal recessive limb-girdle muscular dystrophy type 2J. Last evaluated: 2022-03-18. Review status: criteria provided, single submitter. Criteria: Invitae Variant Classification Sherloc (09022015). Collection method: clinical testing. Allele origin: germline.

Genome-Nilou Lab
Classification: Benign for Autosomal recessive limb-girdle muscular dystrophy type 2J. Last evaluated: 2021-09-10. Review status: criteria provided, single submitter. Criteria: ACMG Guidelines, 2015. Collection method: clinical testing. Allele origin: germline. Affected: no.

Genome-Nilou Lab
Classification: Benign for Myopathy, myofibrillar, 9, with early respiratory failure. Last evaluated: 2021-09-10. Review status: criteria provided, single submitter. Criteria: ACMG Guidelines, 2015. Collection method: clinical testing. Allele origin: germline. Affected: no.

Genome-Nilou Lab
Classification: Benign for Early-onset myopathy with fatal cardiomyopathy. Last evaluated: 2021-09-10. Review status: criteria provided, single submitter. Criteria: ACMG Guidelines, 2015. Collection method: clinical testing. Allele origin: germline. Affected: no.

Genome-Nilou Lab
Classification: Benign for Tibial muscular dystrophy. Last evaluated: 2021-09-10. Review status: criteria provided, single submitter. Criteria: ACMG Guidelines, 2015. Collection method: clinical testing. Allele origin: germline. Affected: no.

Laboratory for Molecular Medicine, Mass General Brigham Personalized Medicine
Classification: Likely benign. Last evaluated: 2011-11-22. Review status: criteria provided, single submitter. Criteria: LMM Criteria. Collection method: clinical testing. Allele origin: germline. Observed: 3 variant alleles.
Comment: 93062-9C>T in intron 306 of TTN: This variant is not expected to have clinical s ignificance because it is located outside the conserved +/- 1, 2 region of the s plicing consensus sequence and as part of a poly T stretch.

Breakthrough Genomics
Classification: Likely benign. Review status: criteria provided, single submitter. Criteria: ACMG Guidelines, 2015. Collection method: not provided. Allele origin: germline. Inheritance: Autosomal recessive inheritance. Affected: yes.

Dr. Peter K. Rogan Lab, Western University
No classification provided (evidence only). Condition: Malignant tumor of esophagus. Review status: no classification provided. Collection method: in vitro. Allele origin: not applicable. Functional consequence: retained intron. Not counted in ClinVar's aggregate classification.

Dr. Peter K. Rogan Lab, Western University
No classification provided (evidence only). Condition: Malignant tumor of esophagus. Review status: no classification provided. Collection method: in vitro. Allele origin: not applicable. Functional consequence: retained intron. Not counted in ClinVar's aggregate classification.

Dr. Peter K. Rogan Lab, Western University
No classification provided (evidence only). Condition: Malignant tumor of esophagus. Review status: no classification provided. Collection method: in vitro. Allele origin: not applicable. Functional consequence: retained intron. Not counted in ClinVar's aggregate classification.

NM_001267550.2(TTN):c.100766-9C>T

Genes: TTN (titin; minus strand), TTN-AS1 (TTN antisense RNA 1; plus strand). Cytogenetic location: 2q31.2.
Variant type: single nucleotide variant.
Coding change: c.100766-9C>T on transcript NM_001267550.2 (MANE Select); 9 bases into the intron before coding-DNA position 100766, C replaced by T.
Molecular consequence: intron variant.
Genome position (GRCh38, 1-based): chr2:178,535,858, G>A on the plus strand (C>T on the coding strand, the complement: TTN is on the minus strand). VCF-style: chr2-178535858-G-A. GRCh37 (hg19) VCF-style: chr2-179400585-G-A.
Other names: c.73571-9C>T (NM_003319.4); c.74147-9C>T (NM_133437.4); c.73946-9C>T (NM_133432.3); c.93062-9C>T (NM_133378.4); c.95843-9C>T (NM_001256850.1).
Identifiers: ClinVar variation 47631 (VCV000047631.19), dbSNP rs77483833, ClinGen allele CA141551.
Genomic context (GRCh38, chr2:178,535,858, plus strand): 5'-TGAACTGCTCCCATGCCTTCAAGAGTTTTAGGTAAGTGTATCTTAGCTGGAACTGTATCA[G>A]AAAAAAAAAAAAAAAGAATATAATTTAGCAACATCTAACAGTATGTGTTTAAGTGCAATA-3'